The following is an entry in ClinVar:

NM_007294.4(BRCA1):c.213-7A>T

Gene: BRCA1 (BRCA1 DNA repair associated; minus strand). Cytogenetic location: 17q21.31.
Variant type: single nucleotide variant.
Coding change: c.213-7A>T on transcript NM_007294.4 (MANE Select); 7 bases into the intron before coding-DNA position 213, A replaced by T.
Molecular consequence: intron variant.
Genome position (GRCh38, 1-based): chr17:43,104,963, T>A on the plus strand (A>T on the coding strand, the complement: BRCA1 is on the minus strand). VCF-style: chr17-43104963-T-A. GRCh37 (hg19) VCF-style: chr17-41256980-T-A.
Other names: c.213-7A>T (NM_001407634.1, NM_001407610.1, NM_001408442.1 and 167 more transcripts); c.72-7A>T (NM_001408458.1, NM_001407931.1, NM_001407747.1 and 99 more transcripts); c.-218-10103A>T (NM_001407967.1, NM_001407966.1); c.-169-7A>T (NM_001407959.1, NM_001407962.1, NM_001408512.1 and 4 more transcripts); c.3-7A>T (NM_001407885.1, NM_001407886.1, NM_001407898.1 and 58 more transcripts); c.81-7A>T (NM_001408451.1); c.135-7A>T (NM_001408475.1, NM_001407875.1, NM_001407659.1 and 21 more transcripts).
Identifiers: ClinVar variation 865279 (VCV000865279.3), dbSNP rs2054700180, ClinGen allele CA916080854.

Conditions:
Breast-ovarian cancer, familial, susceptibility to, 1 (BROVCA1). Also called: BRCA1 Hereditary Breast and Ovarian Cancer; OVARIAN CANCER, SUSCEPTIBILITY TO. Identifiers: Orphanet 145, MedGen C2676676, MONDO:0011450, OMIM 604370. Disease mechanism: loss of function.

Submission:

Brotman Baty Institute, University of Washington
No classification provided (evidence only). Condition: Breast-ovarian cancer, familial 1. Review status: no classification provided. Collection method: in vitro. Allele origin: not applicable. Functional consequence: functionally_normal.
ClinVar note: "not provided" was previously submitted as the classification for the variant. However, the classification appeared to be based only on an observation of functional data so it was converted to no classification on 2025-07-30.